The following is an entry in ClinVar:

NM_015047.3(EMC1):c.1908C>T (p.Tyr636=)

Genes: EMC1 (ER membrane protein complex subunit 1; minus strand), EMC1-AS1 (EMC1 antisense RNA 1; plus strand). Cytogenetic location: 1p36.13.
Variant type: single nucleotide variant.
Coding change: c.1908C>T on transcript NM_015047.3 (MANE Select); coding-DNA position 1908, C replaced by T.
Protein change: p.Tyr636=; no amino-acid change (tyrosine 636 retained).
Molecular consequence: synonymous variant.
Genome position (GRCh38, 1-based): chr1:19,231,297, G>A on the plus strand (C>T on the coding strand, the complement: EMC1 is on the minus strand). VCF-style: chr1-19231297-G-A. GRCh37 (hg19) VCF-style: chr1-19557791-G-A.
Other names: c.1842C>T, p.Tyr614= (NM_001271429.2); c.1917C>T, p.Tyr639= (NM_001375820.1); c.1914C>T, p.Tyr638= (NM_001375821.1); c.1905C>T, p.Tyr635= (NM_001271427.2, NM_001271428.2).
Identifiers: ClinVar variation 719622 (VCV000719622.14), dbSNP rs145254383, ClinGen allele CA652472.

ClinVar aggregate classification (germline): Benign/Likely benign. Review status: criteria provided, multiple submitters, no conflicts (2 of 4 stars). 3 submissions from 3 submitters: Benign (1); Likely benign (1). 1 of the submissions does not count toward it. Last evaluated 2026-01-28.

Conditions:
EMC1-related disorder. Also called: EMC1-related condition.

Allele frequency attached by ClinVar (database versions not stated): gnomAD exomes 0.00036 and 0.00086; TOPMed 0.00097; ExAC 0.00104; gnomAD 0.00104 and 0.00109; ESP Exome Variant Server 0.00108; 1000 Genomes Project 30x 0.00187; 1000 Genomes Project 0.00200.
gnomAD v4.1: 707 of 1,608,722 alleles (0.044%); highest among the groups gnomAD compares: South Asian, 0.43%; 6 homozygotes.

Submissions (3):

Labcorp Genetics (formerly Invitae), Labcorp
Classification: Benign. Last evaluated: 2026-01-28. Review status: criteria provided, single submitter. Criteria: Invitae Variant Classification Sherloc (09022015). Collection method: clinical testing. Allele origin: germline.

Blueprint Genetics
Classification: Likely benign. Last evaluated: 2024-11-18. Review status: criteria provided, single submitter. Criteria: ACMG Guidelines, 2015. Collection method: clinical testing. Allele origin: germline.

PreventionGenetics, part of Exact Sciences
Classification: Likely benign for EMC1-related condition. Last evaluated: 2019-06-19. Review status: no assertion criteria provided. Collection method: clinical testing. Allele origin: germline. Not counted in ClinVar's aggregate classification.
Comment: This variant is classified as likely benign based on ACMG/AMP sequence variant interpretation guidelines (Richards et al. 2015 PMID: 25741868, with internal and published modifications).